The following is an entry in ClinVar:

NM_004655.4(AXIN2):c.1181G>A (p.Arg394His)

Gene: AXIN2 (axin 2; minus strand). Cytogenetic location: 17q24.1.
Variant type: single nucleotide variant.
Coding change: c.1181G>A on transcript NM_004655.4 (MANE Select); coding-DNA position 1181, G replaced by A.
Protein change: p.Arg394His; replaces arginine 394 with histidine.
Molecular consequence: missense variant.
Genome position (GRCh38, 1-based): chr17:65,538,222, C>T on the plus strand (G>A on the coding strand, the complement: AXIN2 is on the minus strand). VCF-style: chr17-65538222-C-T. GRCh37 (hg19) VCF-style: chr17-63534340-C-T.
Other names: p.Arg394His; c.1181G>A, p.Arg394His (NM_001363813.1); c.1181G>A (LRG_296t1); short protein forms R394H.
Identifiers: ClinVar variation 234485 (VCV000234485.31), dbSNP rs200899695, ClinGen allele CA8718840.

ClinVar aggregate classification (germline): Conflicting classifications of pathogenicity. Review status: criteria provided, conflicting classifications (1 of 4 stars). 9 submissions from 9 submitters: Uncertain significance (1); Benign (5); Likely benign (2). 1 of the submissions does not count toward it. Last evaluated 2026-02-02.

Conditions:
AXIN2-related disorder.
Hereditary cancer-predisposing syndrome. Also called: Neoplastic Syndromes, Hereditary; Hereditary Cancer Syndrome; Tumor predisposition; Hereditary neoplastic syndrome. Identifiers: Orphanet 140162, MedGen C0027672, MeSH D009386, MONDO:0015356.
Oligodontia-cancer predisposition syndrome. Also called: TOOTH AGENESIS-COLORECTAL CANCER SYNDROME. Identifiers: Orphanet 300576, MedGen C1837750, MONDO:0012075, OMIM 608615. Disease mechanism: loss of function.

Allele frequency attached by ClinVar (database versions not stated): gnomAD 0.00009 and 0.00010; gnomAD exomes 0.00017 and 0.00085; TOPMed 0.00033; ExAC 0.00064.

Submissions (9):

Labcorp Genetics (formerly Invitae), Labcorp
Classification: Benign for Oligodontia-cancer predisposition syndrome. Last evaluated: 2026-02-02. Review status: criteria provided, single submitter. Criteria: Invitae Variant Classification Sherloc (09022015). Collection method: clinical testing. Allele origin: germline.

Quest Diagnostics Nichols Institute San Juan Capistrano
Classification: Benign. Last evaluated: 2025-09-17. Review status: criteria provided, single submitter. Criteria: Quest Diagnostics criteria. Collection method: clinical testing. Allele origin: unknown.

Mayo Clinic Laboratories, Mayo Clinic
Classification: Uncertain significance. Last evaluated: 2025-09-10. Review status: criteria provided, single submitter. Criteria: ACMG Guidelines, 2015. Collection method: clinical testing. Allele origin: germline. Observed: 1 variant allele.
Comment: PP3

CeGaT Center for Human Genetics Tuebingen
Classification: Likely benign. Last evaluated: 2025-09-01. Review status: criteria provided, single submitter. Criteria: CeGaT Center For Human Genetics Tuebingen Variant Classification Criteria Version 2. Collection method: clinical testing. Allele origin: germline. Affected: yes. Observed: 1 variant allele.
Comment: AXIN2: PP3, BS2

Ambry Genetics
Classification: Benign for Hereditary cancer-predisposing syndrome. Last evaluated: 2023-03-17. Review status: criteria provided, single submitter. Criteria: Ambry Variant Classification Scheme 2023. Collection method: clinical testing. Allele origin: germline.

Sema4
Classification: Benign for Hereditary cancer-predisposing syndrome. Last evaluated: 2021-09-09. Review status: criteria provided, single submitter. Criteria: Sema4 Curation Guidelines. Collection method: curation. Allele origin: germline.

Women's Health and Genetics/Laboratory Corporation of America, LabCorp
Classification: Benign. Last evaluated: 2021-03-19. Review status: criteria provided, single submitter. Criteria: LabCorp Variant Classification Summary - May 2015. Collection method: clinical testing. Allele origin: germline.
Comment: Variant summary: AXIN2 c.1181G>A (p.Arg394His) results in a non-conservative amino acid change in the encoded protein sequence. Five of five in-silico tools predict a damaging effect of the variant on protein function. The variant allele was found at a frequency of 0.00085 in 250890 control chromosomes. The observed variant frequency is approximately 6 fold of the estimated maximal expected allele frequency for a pathogenic variant in AXIN2 causing Colorectal Cancer phenotype (0.00014), strongly suggesting that the variant is benign. To our knowledge, no occurrence of c.1181G>A in individuals affected with Colorectal Cancer and no experimental evidence demonstrating its impact on protein function have been reported. Three clinical diagnostic laboratories have submitted clinical-significance assessments for this variant to ClinVar after 2014 without evidence for independent evaluation. Based on the evidence outlined above, the variant was classified as benign.

GeneDx
Classification: Likely benign. Last evaluated: 2020-11-30. Review status: criteria provided, single submitter. Criteria: GeneDx Variant Classification Process June 2021. Collection method: clinical testing. Allele origin: germline. Affected: yes.

PreventionGenetics, part of Exact Sciences
Classification: Benign for AXIN2-related condition. Last evaluated: 2019-04-17. Review status: no assertion criteria provided. Collection method: clinical testing. Allele origin: germline. Not counted in ClinVar's aggregate classification.
Comment: This variant is classified as benign based on ACMG/AMP sequence variant interpretation guidelines (Richards et al. 2015 PMID: 25741868, with internal and published modifications).

Literature cited by the submitters: PubMed 26580448 (cited by Quest Diagnostics Nichols Institute San Juan Capistrano and Ambry Genetics).